The following is an entry in ClinVar:

ClinVar aggregate classification (germline): Pathogenic (1 of 4 stars; one submission).

Conditions:
Microphthalmia, isolated, with coloboma 3 (MCOPCB3). Also called: MICROPHTHALMIA/COLOBOMA 3; MICROPHTHALMIA, COLOBOMATOUS, 3. Identifiers: Orphanet 98938, MedGen C1864721, MONDO:0012408, OMIM 610092.

Submission:

Myriad Genetics, Inc.
Classification: Pathogenic for Microphthalmia, isolated, with coloboma 3. Last evaluated: 2023-09-27. Review status: criteria provided, single submitter. Criteria: Myriad Autosomal Dominant, Autosomal Recessive and X-Linked Classification Criteria (2023). Collection method: clinical testing. Allele origin: unknown.
Comment: NM_182894.2(VSX2):c.254dupC(G86Wfs*41) is expected to be pathogenic in the context of microphthalmia, anophthalmia, and coloboma, VSX2-related. This variant is predicted to lead to an abnormal or absent protein product due to the creation of a premature termination codon in VSX2, a gene where loss-of-function variants are known to be pathogenic. Please note: this variant was assessed in the context of healthy population screening.

NM_182894.3(VSX2):c.254dup (p.Gly86fs)

Gene: VSX2 (visual system homeobox 2; plus strand). Cytogenetic location: 14q24.3.
Variant type: Duplication.
Coding change: c.254dup on transcript NM_182894.3 (MANE Select); coding-DNA position 254, one base duplicated (C; older notation c.254dupC).
Protein change: p.Gly86fs; shifts the reading frame from glycine 86.
Molecular consequence: frameshift variant.
Genome position (GRCh38, 1-based): chr14:74,239,815, C duplicated; the last of 3 consecutive C bases (chr14:74,239,813-74,239,815); duplicating any one gives the same sequence. VCF-style (leftmost placement, unchanged base first): chr14-74239812-T-TC. GRCh37 (hg19) VCF-style: chr14-74706515-T-TC.
Other names: short protein forms G86fs.
Identifiers: ClinVar variation 5012281 (VCV005012281.1).